The following is an entry in ClinVar:

NM_001009999.3(KDM1A):c.799G>C (p.Val267Leu)

Gene: KDM1A (lysine demethylase 1A; plus strand). Cytogenetic location: 1p36.12.
Variant type: single nucleotide variant.
Coding change: c.799G>C on transcript NM_001009999.3 (MANE Select); coding-DNA position 799, G replaced by C.
Protein change: p.Val267Leu; replaces valine 267 with leucine.
Molecular consequence: missense variant.
Genome position (GRCh38, 1-based): chr1:23,055,077, G>C. VCF-style: chr1-23055077-G-C. GRCh37 (hg19) VCF-style: chr1-23381570-G-C.
Other names: c.739G>C, p.Val247Leu (NM_001363654.2, NM_001410763.1, NM_015013.4); c.799G>C, p.Val267Leu (NM_001410762.1); short protein forms V247L, V267L.
Identifiers: ClinVar variation 5023106 (VCV005023106.1).

ClinVar aggregate classification (germline): Uncertain significance (1 of 4 stars; one submission).

Conditions:
Inborn genetic diseases. Identifiers: MedGen C0950123, MeSH D030342.

Submission:

Ambry Genetics
Classification: Uncertain significance for Inborn genetic diseases. Last evaluated: 2026-09-04. Review status: criteria provided, single submitter. Criteria: Ambry Variant Classification Scheme 2023. Collection method: clinical testing. Allele origin: germline.
Comment: The p.V267L variant (also known as c.799G>C), located in coding exon 6 of the KDM1A gene, results from a G to C substitution at nucleotide position 799. The valine at codon 267 is replaced by leucine, an amino acid with highly similar properties. This amino acid position is conserved. In addition, this alteration is predicted to be tolerated by in silico analysis. Based on the available evidence, the clinical significance of this variant remains unclear.